The following is an entry in ClinVar:

ClinVar aggregate classification (germline): Uncertain significance (1 of 4 stars; one submission).

Allele frequency attached by ClinVar (database versions not stated): gnomAD exomes below 0.00001; gnomAD 0.00001.
gnomAD v4.1: 1 of 1,613,390 alleles (0.000062%); highest among the groups gnomAD compares: Non-Finnish European, 0.000085%; no homozygotes.

Submission:

Labcorp Genetics (formerly Invitae), Labcorp
Classification: Uncertain significance. Last evaluated: 2022-06-04. Review status: criteria provided, single submitter. Criteria: Invitae Variant Classification Sherloc (09022015). Collection method: clinical testing. Allele origin: germline.
Comment: In summary, the available evidence is currently insufficient to determine the role of this variant in disease. Therefore, it has been classified as a Variant of Uncertain Significance. Algorithms developed to predict the effect of missense changes on protein structure and function are either unavailable or do not agree on the potential impact of this missense change (SIFT: "Deleterious"; PolyPhen-2: "Benign"; Align-GVGD: "Class C0"). ClinVar contains an entry for this variant (Variation ID: 1351717). This variant has not been reported in the literature in individuals affected with NAXD-related conditions. This variant is present in population databases (no rsID available, gnomAD 0.002%). This sequence change replaces threonine, which is neutral and polar, with serine, which is neutral and polar, at codon 330 of the NAXD protein (p.Thr330Ser).

NM_001242882.2(NAXD):c.840-42A>T

Gene: NAXD (NAD(P)HX dehydratase; plus strand). Cytogenetic location: 13q34.
Variant type: single nucleotide variant.
Coding change: c.840-42A>T on transcript NM_001242882.2 (MANE Select); 42 bases into the intron before coding-DNA position 840, A replaced by T.
Molecular consequence: intron variant. On other transcripts: missense variant (1).
Genome position (GRCh38, 1-based): chr13:110,638,336, A>T. VCF-style: chr13-110638336-A-T. GRCh37 (hg19) VCF-style: chr13-111290683-A-T.
Other names: c.988A>T, p.Thr330Ser (NM_018210.4); c.564-42A>T (NM_001242883.2); c.894-42A>T (NM_001242881.2); short protein forms T330S.
Identifiers: ClinVar variation 1351717 (VCV001351717.6), dbSNP rs1391486245, ClinGen allele CA388737080.
Genomic context (GRCh38, chr13:110,638,336, plus strand): 5'-CCTGAGATTGAAACAGGAGTCAAAACCAGAGCCCAGGGTAGCTGCGGCCCCCGGACCACG[A>T]CGCCCACTTCCCCACACCTCCTGCTGTCCCCCTCTCCGCAGGTCCAGCCCTCTCCTGGTG-3'